The following is an entry in ClinVar:

ClinVar aggregate classification (germline): Pathogenic. Review status: reviewed by expert panel (3 of 4 stars). 6 submissions from 6 submitters: Pathogenic (1). 5 of the submissions do not count toward it. Last evaluated 2024-01-31.

Conditions:
IL2RG-related disorders.
X-linked severe combined immunodeficiency (SCIDX1). Also called: T-B+ severe combined immunodeficiency due to gamma chain deficiency; X-Linked Combined Immunodeficiency Diseases; IMMUNODEFICIENCY 4; SCID, X-LINKED; SEVERE COMBINED IMMUNODEFICIENCY, X-LINKED, T CELL-NEGATIVE, B CELL-POSITIVE, NK CELL-NEGATIVE. Identifiers: Orphanet 276, MedGen C6022468, MONDO:0010315, OMIM 300400. Disease mechanism: loss of function.
Combined immunodeficiency, X-linked (CIDX). Also called: IMMUNODEFICIENCY 6. Identifiers: MedGen C6022467, MONDO:0010730, OMIM 312863.

Submissions (7):

ClinGen Severe Combined Immunodeficiency Variant Curation Expert Panel, ClinGen
Classification: Pathogenic for X-linked severe combined immunodeficiency. Last evaluated: 2024-01-31. Review status: reviewed by expert panel. Criteria: ClinGen SCID ACMG Specifications IL2RG V1.0.0. Collection method: curation. Allele origin: germline. Inheritance: X-linked inheritance.
Comment: NM_000206.3(IL2RG):c.202G>A is a missense variant predicted to cause substitution of Glutamic Acid by Lysine at amino acid 68 (p.Glu68Lys). The variant is absent in gnomAD v4 (PM2_supporting). This variant is found in multiple unrelated affected probands (total pts. >16) (PS4_very strong) (PMIDs: 9058718, 24534054,11129345, 32477911,31456805, 27484032,31031743,30778343). As per the SCID VCEP specifications and the Bayesian interpretation of the ACMG/AMP combining rules, 1 Very Strong,1 Moderate and 1 Supporting criteria results in a Pathogenic classification. In summary, this variant meets the criteria to be classified as Pathogenic for X-linked severe combined immunodeficiency due to IL2RG deficiency based on the ACMG/AMP criteria applied, as specified by the ClinGen SCID VCEP: PM2_supporting,PP4_moderate,PS4_very strong (VCEP specifications version 1).

Labcorp Genetics (formerly Invitae), Labcorp
Classification: Pathogenic for X-linked severe combined immunodeficiency. Last evaluated: 2025-07-23. Review status: criteria provided, single submitter. Criteria: Invitae Variant Classification Sherloc (09022015). Collection method: clinical testing. Allele origin: germline. Not counted in ClinVar's aggregate classification.
Comment: This sequence change replaces glutamic acid, which is acidic and polar, with lysine, which is basic and polar, at codon 68 of the IL2RG protein (p.Glu68Lys). This variant is not present in population databases (gnomAD no frequency). This missense change has been observed in individuals with X-linked severe combined immunodeficiency (X-SCID) and an individual affected with both West syndrome (WS) and X-SCID (PMID: 8088810, 11129345, 24534054). This variant is also known as 216G>A E68K. ClinVar contains an entry for this variant (Variation ID: 379561). Invitae Evidence Modeling of protein sequence and biophysical properties (such as structural, functional, and spatial information, amino acid conservation, physicochemical variation, residue mobility, and thermodynamic stability) indicates that this missense variant is expected to disrupt IL2RG protein function with a positive predictive value of 95%. Experimental studies have shown that this missense change affects IL2RG function (PMID: 8088810). For these reasons, this variant has been classified as Pathogenic.

GeneDx
Classification: Pathogenic. Last evaluated: 2021-04-08. Review status: criteria provided, single submitter. Criteria: GeneDx Variant Classification Process June 2021. Collection method: clinical testing. Allele origin: germline. Affected: yes. Not counted in ClinVar's aggregate classification.
Comment: Not observed in large population cohorts (Lek et al., 2016); In silico analysis supports that this missense variant has a deleterious effect on protein structure/function; This variant is associated with the following publications: (PMID: 31456805, 28747913, 24534054, 22105576, 8088810, 9058718, 11129345, 30778343, 31031743, 27484032, 10993286, 32477911)

Blueprint Genetics
Classification: Pathogenic for IL2RG-related disorders. Last evaluated: 2019-10-03. Review status: criteria provided, single submitter. Criteria: ACMG Guidelines, 2015. Collection method: clinical testing. Allele origin: germline. Affected: yes. Observed: 2 variant alleles. Not counted in ClinVar's aggregate classification.

Revvity Omics, Revvity
Classification: Pathogenic. Last evaluated: 2019-01-15. Review status: criteria provided, single submitter. Criteria: ACMG Guidelines, 2015. Collection method: clinical testing. Allele origin: germline. Not counted in ClinVar's aggregate classification.

Institute of Human Genetics, University of Leipzig Medical Center
Classification: Pathogenic for Combined immunodeficiency, X-linked. Last evaluated: 2017-01-01. Review status: criteria provided, single submitter. Criteria: ACMG Guidelines, 2015. Collection method: clinical testing. Allele origin: germline. Affected: yes. Observed: 1 variant allele. Not counted in ClinVar's aggregate classification.

Dr. Peter K. Rogan Lab, Western University
No classification provided (evidence only). Condition: Nonpapillary renal cell carcinoma. Review status: no classification provided. Collection method: in vitro. Allele origin: not applicable. Functional consequence: skipped exon, retained intron. Not counted in ClinVar's aggregate classification.

Literature cited by the submitters: PubMed 8088810 (cited by Labcorp Genetics (formerly Invitae), Labcorp); PubMed 11129345 (cited by Labcorp Genetics (formerly Invitae), Labcorp); PubMed 24534054 (cited by Labcorp Genetics (formerly Invitae), Labcorp).

NM_000206.3(IL2RG):c.202G>A (p.Glu68Lys)

Gene: IL2RG (interleukin 2 receptor subunit gamma; minus strand). Cytogenetic location: Xq13.1.
Variant type: single nucleotide variant.
Coding change: c.202G>A on transcript NM_000206.3 (MANE Select); coding-DNA position 202, G replaced by A.
Protein change: p.Glu68Lys; replaces glutamic acid 68 with lysine.
Molecular consequence: missense variant.
Genome position (GRCh38, 1-based): chrX:71,110,964, C>T on the plus strand (G>A on the coding strand, the complement: IL2RG is on the minus strand). VCF-style: chrX-71110964-C-T. GRCh37 (hg19) VCF-style: chrX-70330814-C-T.
Other names: NM_000206.3(IL2RG):c.202G>A; p.Glu68Lys; short protein forms E68K.
Identifiers: ClinVar variation 379561 (VCV000379561.20), dbSNP rs1057520644, ClinGen allele CA16608976.
Genomic context (GRCh38, chrX:71,110,964, plus strand): 5'-GCAGAGTGAGGTTGGTAGGCTGGGGCTCAGAGCTGCTGTTCCAAGTGCAATTCATGTACT[C>T]GACATTGAACACAAAACACTGAACCTCTGGGAGGGGCAGAGTGGAAACACTGAGGGAGTC-3'
Protein context (NP_000197.1, residues 58-78): PEVQCFVFNV[Glu68Lys]YMNCTWNSSS